The following is an entry in ClinVar:

ClinVar aggregate classification (germline): Uncertain significance (1 of 4 stars; one submission).

Conditions:
Gnathodiaphyseal dysplasia (GDD). Also called: GNATHODIAPHYSEAL SCLEROSIS; OSTEOGENESIS IMPERFECTA WITH UNUSUAL SKELETAL LESIONS. Identifiers: Orphanet 53697, MedGen C1833736, MONDO:0008151, OMIM 166260.
Autosomal recessive limb-girdle muscular dystrophy type 2L (LGMDR12). Also called: Limb-girdle muscular dystrophy, type 2L; MUSCULAR DYSTROPHY, LIMB-GIRDLE, AUTOSOMAL RECESSIVE 12; Limb-Girdle Muscular Dystrophy R12 Anoctamin-5-Related (LGMD-R12). Identifiers: Orphanet 206549, MedGen C1969785, MONDO:0012652, OMIM 611307.

Submission:

Labcorp Genetics (formerly Invitae), Labcorp
Classification: Uncertain significance for Autosomal recessive limb-girdle muscular dystrophy type 2L; Gnathodiaphyseal dysplasia. Last evaluated: 2024-09-29. Review status: criteria provided, single submitter. Criteria: Invitae Variant Classification Sherloc (09022015). Collection method: clinical testing. Allele origin: germline.
Comment: This sequence change replaces valine, which is neutral and non-polar, with isoleucine, which is neutral and non-polar, at codon 677 of the ANO5 protein (p.Val677Ile). This variant also falls at the last nucleotide of exon 18, which is part of the consensus splice site for this exon. This variant is not present in population databases (gnomAD no frequency). This variant has not been reported in the literature in individuals affected with ANO5-related conditions. An algorithm developed to predict the effect of missense changes on protein structure and function (PolyPhen-2) suggests that this variant is likely to be disruptive. Variants that disrupt the consensus splice site are a relatively common cause of aberrant splicing (PMID: 17576681, 9536098). Algorithms developed to predict the effect of sequence changes on RNA splicing suggest that this variant may disrupt the consensus splice site. In summary, the available evidence is currently insufficient to determine the role of this variant in disease. Therefore, it has been classified as a Variant of Uncertain Significance.

Literature cited by the submitters: PubMed 17576681; PubMed 9536098.

NM_213599.3(ANO5):c.2029G>A (p.Val677Ile)

Gene: ANO5 (anoctamin 5; plus strand). Cytogenetic location: 11p14.3.
Variant type: single nucleotide variant.
Coding change: c.2029G>A on transcript NM_213599.3 (MANE Select); coding-DNA position 2029, G replaced by A.
Protein change: p.Val677Ile; replaces valine 677 with isoleucine.
Molecular consequence: missense variant.
Genome position (GRCh38, 1-based): chr11:22,270,442, G>A. VCF-style: chr11-22270442-G-A. GRCh37 (hg19) VCF-style: chr11-22291988-G-A.
Other names: c.2026G>A, p.Val676Ile (NM_001142649.2); c.1987G>A, p.Val663Ile (NM_001410963.1); c.1984G>A, p.Val662Ile (NM_001410964.1); short protein forms V662I, V663I, V676I, V677I.
Identifiers: ClinVar variation 3748102 (VCV003748102.2).
Genomic context (GRCh38, chr11:22,270,442, plus strand): 5'-CAGGATCATGACCTTGAAAGTTTTGGACCCCTTGGGCTTTTCTATGAGTACTTAGAAACA[G>A]GTAATTTTTAACCACTGTTTTGAAACATAGAGTTGGCATGAATGAGTGGTTTTTCAGCTC-3'
Protein context (NP_998764.1, residues 667-687): LGLFYEYLET[Val677Ile]TQFGFVTLFV